The following is an entry in ClinVar:

ClinVar aggregate classification (germline): Uncertain significance. Review status: criteria provided, multiple submitters, no conflicts (2 of 4 stars). 2 submissions from 2 submitters: Uncertain significance (2). Last evaluated 2025-12-08.

Allele frequency attached by ClinVar (database versions not stated): gnomAD 0.00001; TOPMed 0.00001; ExAC 0.00002.
gnomAD v4.1: 22 of 1,613,960 alleles (0.0014%); highest among the groups gnomAD compares: South Asian, 0.014%; no homozygotes.

Submissions (2):

Labcorp Genetics (formerly Invitae), Labcorp
Classification: Uncertain significance. Last evaluated: 2025-12-08. Review status: criteria provided, single submitter. Criteria: Invitae Variant Classification Sherloc (09022015). Collection method: clinical testing. Allele origin: germline.
Comment: This sequence change replaces arginine, which is basic and polar, with histidine, which is basic and polar, at codon 28 of the EXTL3 protein (p.Arg28His). This variant is present in population databases (rs769451210, gnomAD 0.006%). This variant has not been reported in the literature in individuals affected with EXTL3-related conditions. ClinVar contains an entry for this variant (Variation ID: 2174796). Invitae Evidence Modeling of protein sequence and biophysical properties (such as structural, functional, and spatial information, amino acid conservation, physicochemical variation, residue mobility, and thermodynamic stability) indicates that this missense variant is not expected to disrupt EXTL3 protein function with a negative predictive value of 80%. In summary, the available evidence is currently insufficient to determine the role of this variant in disease. Therefore, it has been classified as a Variant of Uncertain Significance.

Blueprint Genetics
Classification: Uncertain significance. Last evaluated: 2023-05-16. Review status: criteria provided, single submitter. Criteria: ACMG Guidelines, 2015. Collection method: clinical testing. Allele origin: germline.

NM_001440.4(EXTL3):c.83G>A (p.Arg28His)

Gene: EXTL3 (exostosin like glycosyltransferase 3; plus strand). Cytogenetic location: 8p21.1.
Variant type: single nucleotide variant.
Coding change: c.83G>A on transcript NM_001440.4 (MANE Select); coding-DNA position 83, G replaced by A.
Protein change: p.Arg28His; replaces arginine 28 with histidine.
Molecular consequence: missense variant.
Genome position (GRCh38, 1-based): chr8:28,716,142, G>A. VCF-style: chr8-28716142-G-A. GRCh37 (hg19) VCF-style: chr8-28573659-G-A.
Other names: short protein forms R28H.
Identifiers: ClinVar variation 2174796 (VCV002174796.3), dbSNP rs769451210, ClinGen allele CA4695929.